The following is an entry in ClinVar:

ClinVar aggregate classification (germline): Pathogenic. Review status: reviewed by expert panel (3 of 4 stars). 8 submissions from 8 submitters: Pathogenic (1). 7 of the submissions do not count toward it. Last evaluated 2017-04-03.

Conditions:
Cardio-facio-cutaneous syndrome. Also called: Cardiofaciocutaneous syndrome; CFC syndrome. Identifiers: Orphanet 1340, MedGen C1275081, MONDO:0015280. Disease mechanism: gain of function.
RASopathy. Also called: Noonan spectrum disorder; rasopathies. Identifiers: Orphanet 536391, MedGen C5555857, MONDO:0021060.
Noonan syndrome 7 (NS7). Also called: BRAF-Related Noonan Syndrome. Identifiers: Orphanet 648, MedGen C3150970, MONDO:0013379, OMIM 613706.
Cardiofaciocutaneous syndrome 1 (CFC1). Also called: BRAF-Related Cardiofaciocutaneous Syndrome. Identifiers: Orphanet 1340, MedGen CN029449, MONDO:0007265, OMIM 115150. Disease mechanism: gain of function.

Submissions (8):

ClinGen RASopathy Variant Curation Expert Panel
Classification: Pathogenic for Noonan syndrome and Noonan-related syndrome. Last evaluated: 2017-04-03. Review status: reviewed by expert panel. Criteria: ClinGen RASopathy ACMG Specifications v1. Collection method: curation. Allele origin: germline. Inheritance: Autosomal dominant inheritance.
Comment: The c.1785T>G (p.Phe595Leu) variant in BRAF has been reported in the literature in at least 2 unconfirmed de novo occurrences in patients with clinical features of a RASopathy (PM6_Strong; PMID 19206169, 18042262; GTR ID's: 26957, 21766; ClinVar SCV000203922.4, SCV000207755.12). The variant has also been identified in at least 2 independent occurences in patients with clinical features of a RASopathy (PS4_Supporting; APHP-Robert DebrâˆšÂ© internal data; GTR ID 28338). This variant was absent from large population studies (PM2; ExAC). Furthermore, the variant is in a location that has been defined by the ClinGen RASopathy Expert Panel to be a mutational hotspot or domain of BRAF (PM1; PMID 29493581, 16439621). The variant is located in the BRAF gene, which has been defined by the ClinGen RASopathy Expert Panel as a gene with a low rate of benign missense variants and pathogenic missense variants are common (PP2; PMID: 29493581). Computational prediction tools and conservation analysis suggest that the p.Phe595Leu variant may impact the protein (PP3). In summary, this variant meets criteria to be classified as pathogenic for RASopathies in an autosomal dominant manner. ACMG/AMP criteria applied: PM6_Strong, PM2, PM1, PP2, PP3, PS4_Supporting.

Victorian Clinical Genetics Services, Murdoch Childrens Research Institute
Classification: Pathogenic for Cardiofaciocutaneous syndrome 1. Last evaluated: 2025-12-17. Review status: criteria provided, single submitter. Criteria: ACMG Guidelines, 2015. Collection method: clinical testing. Allele origin: germline. Affected: yes. Not counted in ClinVar's aggregate classification.
Comment: This variant is classified as Pathogenic. Evidence in support of pathogenic classification: Variant is absent from gnomAD (v2, v3 and v4); This variant has strong previous evidence of pathogenicity in unrelated individuals. This variant has been classified as pathogenic by the ClinGen RASopathy Variant Curation Expert Panel (ClinVar). This variant has been reported in individuals with cardiofaciocutaneous syndrome (CFCS; PMID: 19206169); Missense variant predicted to be damaging by in silico tool(s) or highly conserved with a major amino acid change; Additional information: Variant is predicted to result in a missense amino acid change from Phe to Leu; This variant is heterozygous; This gene is associated with autosomal dominant disease; Variant is located in the annotated protein tyrosine and serine/threonine kinase domain (DECIPHER); Gain of function is a known mechanism of disease in this gene and is associated with LEOPARD syndrome 3 (MIM#613707), cardiofaciocutaneous syndrome (MIM#115150), and Noonan syndrome 7 (MIM#613706) (PMIDs: 28783719, 29540830).

3billion
Classification: Pathogenic for Noonan syndrome 7. Last evaluated: 2023-09-01. Review status: criteria provided, single submitter. Criteria: ACMG Guidelines, 2015. Collection method: clinical testing. Allele origin: germline. Affected: yes. Not counted in ClinVar's aggregate classification.
Comment: The variant is not observed in the gnomAD v2.1.1 dataset. Predicted Consequence/Location: The variant is located in a mutational hot spot and/or well-established functional domain in which established pathogenic variants have been reported (PMID: 29493581). Missense changes are a common disease-causing mechanism. In silico tool predictions suggest damaging effect of the variant on gene or gene product [REVEL: 0.91 (>=0.6, sensitivity 0.68 and specificity 0.92); 3Cnet: 0.93 (>=0.6, sensitivity 0.72 and precision 0.9)]. Same nucleotide change resulting in same amino acid change has been previously reported as pathogenic/likely pathogenic with strong evidence (ClinVar ID: VCV000177672 /PMID: 16439621). The variant has been previously reported as assumed (i.e. paternity and maternity not confirmed) de novo in at least one similarly affected unrelated individual (PMID: 8042262). A different missense change at the same codon (p.Phe595Ser) has been reported to be associated with BRAF related disorder (ClinVar ID: VCV000376290). Therefore, this variant is classified as Pathogenic according to the recommendation of ACMG/AMP guideline.

Labcorp Genetics (formerly Invitae), Labcorp
Classification: Pathogenic for RASopathy. Last evaluated: 2023-07-28. Review status: criteria provided, single submitter. Criteria: Invitae Variant Classification Sherloc (09022015). Collection method: clinical testing. Allele origin: germline. Not counted in ClinVar's aggregate classification.
Comment: This variant is not present in population databases (gnomAD no frequency). This sequence change replaces phenylalanine, which is neutral and non-polar, with leucine, which is neutral and non-polar, at codon 595 of the BRAF protein (p.Phe595Leu). This missense change has been observed in individual(s) with BRAF-related conditions (PMID: 16439621, 29084544, 33040082, 33318624). In at least one individual the variant was observed to be de novo. ClinVar contains an entry for this variant (Variation ID: 177672). Advanced modeling of protein sequence and biophysical properties (such as structural, functional, and spatial information, amino acid conservation, physicochemical variation, residue mobility, and thermodynamic stability) performed at Invitae indicates that this missense variant is expected to disrupt BRAF protein function. For these reasons, this variant has been classified as Pathogenic.

GeneDx
Classification: Pathogenic. Last evaluated: 2022-09-01. Review status: criteria provided, single submitter. Criteria: GeneDx Variant Classification Process June 2021. Collection method: clinical testing. Allele origin: germline. Affected: yes. Not counted in ClinVar's aggregate classification.
Comment: Not observed at significant frequency in large population cohorts (gnomAD); In silico analysis supports that this missense variant has a deleterious effect on protein structure/function; Missense variants in this gene are often considered pathogenic (HGMD); This variant has been reviewed and classified as pathogenic by the ClinGen RASopathy Expert Panel (PMID: 29493581); This variant is associated with the following publications: (PMID: 37697822, 16439621, 18042262, 12068308, 33318624, 32269299, 29752777, 33040082, 26582644, 30138938, 23093928, 30977659, 32913992, 34643321, 29084544, 19206169, 24957944, 15488754, 29493581, 15520807, 17603483)

Women's Health and Genetics/Laboratory Corporation of America, LabCorp
Classification: Pathogenic for Cardio-facio-cutaneous syndrome. Last evaluated: 2021-11-04. Review status: criteria provided, single submitter. Criteria: LabCorp Variant Classification Summary - May 2015. Collection method: clinical testing. Allele origin: germline. Not counted in ClinVar's aggregate classification.
Comment: Variant summary: BRAF c.1785T>G (p.Phe595Leu) results in a non-conservative amino acid change located in the Protein Kinase Domain (IPR000719) of the encoded protein sequence. Four of five in-silico tools predict a damaging effect of the variant on protein function. The variant was absent in 251240 control chromosomes (gnomAD). c.1785T>G has been reported in the literature in multiple individuals affected with Cardiofaciocutaneous Syndrome (examples: Rodrigues-Viciana_2006, Sarkozy_2009, Yoon_2007, Pierpont_2010, Abe_2012, Alfieri_2013, Lee_2021). These data indicate that the variant is very likely to be associated with disease. Two ClinVar submitters including an expert panel (ClinGen RASopathy Variant Curation Expert Panel) (evaluation after 2014) cite the variant as pathogenic. Based on the evidence outlined above, the variant was classified as pathogenic.

Revvity Omics, Revvity
Classification: Pathogenic. Last evaluated: 2020-05-07. Review status: criteria provided, single submitter. Criteria: ACMG Guidelines, 2015. Collection method: clinical testing. Allele origin: germline. Not counted in ClinVar's aggregate classification.

Laboratory for Molecular Medicine, Mass General Brigham Personalized Medicine
Classification: Likely pathogenic for Cardio-facio-cutaneous syndrome. Last evaluated: 2014-04-01. Review status: criteria provided, single submitter. Criteria: LMM Criteria. Collection method: clinical testing. Allele origin: germline. Inheritance: Autosomal dominant inheritance. Observed: 1 variant allele. Not counted in ClinVar's aggregate classification.
Comment: The Phe595Leu variant in BRAF has been reported in the literature in one individ ual with clinical features of Cardio-facio-cutaneous syndrome (CFC; Rodriguez-Vi ciana 2006). This same amino acid change caused by a different DNA change (c.178 5T>A) has also been reported to have occurred de novo in an individual with clin ical features of CFC syndrome (Schulz 2008). Computational pr ediction tools and conservation analyses suggest that the Phe595Leu variant may impact the protein. In summary, this variant is likely pathogenic, though additi onal studies are required to fully establish its clinical significance.

Literature cited by the submitters: PubMed 19206169 (cited by 3 submitters); PubMed 29493581 (cited by ClinGen RASopathy Variant Curation Expert Panel and 3billion); PubMed 8042262 (cited by ClinGen RASopathy Variant Curation Expert Panel and 3billion); PubMed 16439621 (cited by 5 submitters); PubMed 29540830 (cited by Victorian Clinical Genetics Services, Murdoch Childrens Research Institute); PubMed 28783719 (cited by Victorian Clinical Genetics Services, Murdoch Childrens Research Institute); PubMed 29084544 (cited by Labcorp Genetics (formerly Invitae), Labcorp and Women's Health and Genetics/Laboratory Corporation of America, LabCorp); PubMed 33040082 (cited by Labcorp Genetics (formerly Invitae), Labcorp); PubMed 33318624 (cited by Labcorp Genetics (formerly Invitae), Labcorp); PubMed 20186801 (cited by Women's Health and Genetics/Laboratory Corporation of America, LabCorp); PubMed 24458522 (cited by Women's Health and Genetics/Laboratory Corporation of America, LabCorp); PubMed 29752777 (cited by Women's Health and Genetics/Laboratory Corporation of America, LabCorp); PubMed 18039235 (cited by Women's Health and Genetics/Laboratory Corporation of America, LabCorp); PubMed 22495831 (cited by Women's Health and Genetics/Laboratory Corporation of America, LabCorp); PubMed 32810930 (cited by Women's Health and Genetics/Laboratory Corporation of America, LabCorp); PubMed 18042262 (cited by Laboratory for Molecular Medicine, Mass General Brigham Personalized Medicine); PubMed 23093928 (cited by Laboratory for Molecular Medicine, Mass General Brigham Personalized Medicine).

NM_004333.6(BRAF):c.1785T>G (p.Phe595Leu)

Gene: BRAF (B-Raf proto-oncogene, serine/threonine kinase; minus strand). Cytogenetic location: 7q34.
Variant type: single nucleotide variant.
Coding change: c.1785T>G on transcript NM_004333.6 (MANE Select); coding-DNA position 1785, T replaced by G.
Protein change: p.Phe595Leu; replaces phenylalanine 595 with leucine.
Molecular consequence: missense variant.
Genome position (GRCh38, 1-based): chr7:140,753,350, A>C on the plus strand (T>G on the coding strand, the complement: BRAF is on the minus strand). VCF-style: chr7-140753350-A-C. GRCh37 (hg19) VCF-style: chr7-140453150-A-C.
Other names: p.F595L:TTT>TTG; NM_004333.4(BRAF):c.1785T>G; c.1785T>G, p.Phe595Leu (NM_001354609.2, NM_001378468.1, NM_001378474.1); c.1905T>G, p.Phe635Leu (NM_001374244.1, NM_001374258.1); c.1794T>G, p.Phe598Leu (NM_001378467.1); c.1719T>G, p.Phe573Leu (NM_001378469.1); c.1683T>G, p.Phe561Leu (NM_001378470.1); c.1674T>G, p.Phe558Leu (NM_001378471.1); and 2 more; short protein forms F595L, F573L, F598L, F543L, F635L, F507L, F558L, F561L.
Identifiers: ClinVar variation 177672 (VCV000177672.20), dbSNP rs121913341, ClinGen allele CA280058.